The following is an entry in ClinVar:

ClinVar aggregate classification (germline): Uncertain significance (1 of 4 stars; one submission).

Conditions:
Peripheral neuropathy. Also called: Neuropathy. Identifiers: MedGen C0031117, MONDO:0005244, HP:0009830.

Allele frequency attached by ClinVar (database versions not stated): gnomAD exomes 0.00001.
gnomAD v4.1: 9 of 1,612,456 alleles (0.00056%); highest among the groups gnomAD compares: Non-Finnish European, 0.00076%; no homozygotes.

Submission:

Labcorp Genetics (formerly Invitae), Labcorp
Classification: Uncertain significance for Peripheral neuropathy. Last evaluated: 2022-06-20. Review status: criteria provided, single submitter. Criteria: Invitae Variant Classification Sherloc (09022015). Collection method: clinical testing. Allele origin: germline.
Comment: This variant has not been reported in the literature in individuals affected with FLRT1-related conditions. In summary, the available evidence is currently insufficient to determine the role of this variant in disease. Therefore, it has been classified as a Variant of Uncertain Significance. Algorithms developed to predict the effect of missense changes on protein structure and function (SIFT, PolyPhen-2, Align-GVGD) all suggest that this variant is likely to be disruptive. ClinVar contains an entry for this variant (Variation ID: 577882). This variant is not present in population databases (gnomAD no frequency). This sequence change replaces aspartic acid, which is acidic and polar, with valine, which is neutral and non-polar, at codon 241 of the FLRT1 protein (p.Asp241Val).

NM_013280.5(FLRT1):c.722A>T (p.Asp241Val)

Genes: FLRT1 (fibronectin leucine rich transmembrane protein 1; plus strand), MACROD1 (mono-ADP ribosylhydrolase 1; minus strand). Cytogenetic location: 11q13.1.
Variant type: single nucleotide variant.
Coding change: c.722A>T on transcript NM_013280.5 (MANE Select); coding-DNA position 722, A replaced by T.
Protein change: p.Asp241Val; replaces aspartic acid 241 with valine.
Molecular consequence: missense variant. On other transcripts: intron variant (2).
Genome position (GRCh38, 1-based): chr11:64,116,989, A>T. VCF-style: chr11-64116989-A-T. GRCh37 (hg19) VCF-style: chr11-63884461-A-T.
Other names: c.722A>T, p.Asp241Val (NM_001384466.1); c.638A>T, p.Asp213Val (NM_001423967.1); c.517+34250T>A (NM_001411019.1, NM_014067.4); short protein forms D241V, D213V.
Identifiers: ClinVar variation 577882 (VCV000577882.8), dbSNP rs1565241569, ClinGen allele CA381058377.